The following is an entry in ClinVar:

NM_005477.3(HCN4):c.1338T>G (p.Pro446=)

Gene: HCN4 (hyperpolarization activated cyclic nucleotide gated potassium channel 4; minus strand). Cytogenetic location: 15q24.1.
Variant type: single nucleotide variant.
Coding change: c.1338T>G on transcript NM_005477.3 (MANE Select); coding-DNA position 1338, T replaced by G.
Protein change: p.Pro446=; no amino-acid change (proline 446 retained).
Molecular consequence: synonymous variant.
Genome position (GRCh38, 1-based): chr15:73,332,164, A>C on the plus strand (T>G on the coding strand, the complement: HCN4 is on the minus strand). VCF-style: chr15-73332164-A-C. GRCh37 (hg19) VCF-style: chr15-73624505-A-C.
Identifiers: ClinVar variation 392688 (VCV000392688.11), dbSNP rs780604251, ClinGen allele CA7649325.

ClinVar aggregate classification (germline): Likely benign. Review status: criteria provided, multiple submitters, no conflicts (2 of 4 stars). 3 submissions from 3 submitters: Likely benign (3). Last evaluated 2025-09-14.

Conditions:
Cardiovascular phenotype. Identifiers: MedGen CN230736.
Brugada syndrome 8 (BRGDA8). Identifiers: Orphanet 130, MedGen C2751083, MONDO:0013148, OMIM 613123.

Allele frequency attached by ClinVar (database versions not stated): gnomAD exomes below 0.00001 and 0.00001; ExAC 0.00001; gnomAD 0.00002; TOPMed 0.00002.
gnomAD v4.1: 12 of 1,614,080 alleles (0.00074%); highest among the groups gnomAD compares: Non-Finnish European, 0.001%; no homozygotes.

Submissions (3):

Labcorp Genetics (formerly Invitae), Labcorp
Classification: Likely benign for Brugada syndrome 8. Last evaluated: 2025-09-14. Review status: criteria provided, single submitter. Criteria: Invitae Variant Classification Sherloc (09022015). Collection method: clinical testing. Allele origin: germline.

Ambry Genetics
Classification: Likely benign for Cardiovascular phenotype. Last evaluated: 2018-02-13. Review status: criteria provided, single submitter. Criteria: Ambry Variant Classification Scheme 2023. Collection method: clinical testing. Allele origin: germline.

GeneDx
Classification: Likely benign. Last evaluated: 2017-01-13. Review status: criteria provided, single submitter. Criteria: GeneDx Variant Classification (06012015). Collection method: clinical testing. Allele origin: germline. Affected: yes.
Comment: This variant is considered likely benign or benign based on one or more of the following criteria: it is a conservative change, it occurs at a poorly conserved position in the protein, it is predicted to be benign by multiple in silico algorithms, and/or has population frequency not consistent with disease.